The following is an entry in ClinVar:

ClinVar aggregate classification (germline): Likely benign (0 of 4 stars; one submission).

Conditions:
TRPC5-related disorder. Also called: TRPC5-related condition.

Allele frequency attached by ClinVar (database versions not stated): TOPMed 0.00001; gnomAD 0.00003.
gnomAD v4.1: 23 of 1,197,923 alleles (0.0019%); highest among the groups gnomAD compares: Middle Eastern, 0.023%; no homozygotes.

Submission:

PreventionGenetics, part of Exact Sciences
Classification: Likely benign for TRPC5-related condition. Last evaluated: 2023-05-10. Review status: no assertion criteria provided. Collection method: clinical testing. Allele origin: germline.
Comment: This variant is classified as likely benign based on ACMG/AMP sequence variant interpretation guidelines (Richards et al. 2015 PMID: 25741868, with internal and published modifications).

NM_012471.3(TRPC5):c.1700+7C>T

Gene: TRPC5 (transient receptor potential cation channel subfamily C member 5; minus strand). Cytogenetic location: Xq23.
Variant type: single nucleotide variant.
Coding change: c.1700+7C>T on transcript NM_012471.3 (MANE Select); 7 bases into the intron after coding-DNA position 1700, C replaced by T.
Molecular consequence: intron variant.
Genome position (GRCh38, 1-based): chrX:111,847,107, G>A on the plus strand (C>T on the coding strand, the complement: TRPC5 is on the minus strand). VCF-style: chrX-111847107-G-A. GRCh37 (hg19) VCF-style: chrX-111090335-G-A.
Identifiers: ClinVar variation 3032168 (VCV003032168.2), dbSNP rs1203872742, ClinGen allele CA644064979.
Genomic context (GRCh38, chrX:111,847,107, plus strand): 5'-AAATGGAGAAGGCGGAAAAAATGGCAAAAAAAAAAATAAATAAATAAAGGAAAGGGGATC[G>A]TCTTACGTGGAGAAGGCATTGTTCTGTTTCTCACATCGGATCCCCTTGCAGTTGTTAGGC-3'